The following is an entry in ClinVar:

NM_001276345.2(TNNT2):c.500C>G (p.Ala167Gly)

Gene: TNNT2 (troponin T2, cardiac type; minus strand). Cytogenetic location: 1q32.1.
Variant type: single nucleotide variant.
Coding change: c.500C>G on transcript NM_001276345.2 (MANE Select); coding-DNA position 500, C replaced by G.
Protein change: p.Ala167Gly; replaces alanine 167 with glycine.
Molecular consequence: missense variant.
Genome position (GRCh38, 1-based): chr1:201,363,396, G>C on the plus strand (C>G on the coding strand, the complement: TNNT2 is on the minus strand). VCF-style: chr1-201363396-G-C. GRCh37 (hg19) VCF-style: chr1-201332524-G-C.
Other names: c.470C>G (NM_001001430.1); c.500C>G, p.Ala167Gly (NM_000364.4, NM_001406723.1); c.470C>G, p.Ala157Gly (NM_001001430.3, NM_001001431.3, NM_001276347.2 and 3 more transcripts); c.455C>G, p.Ala152Gly (NM_001001432.3, NM_001406728.1); c.380C>G, p.Ala127Gly (NM_001276346.2); c.467C>G, p.Ala156Gly (NM_001406725.1); short protein forms A127G, A152G, A157G, A156G, A167G.
Identifiers: ClinVar variation 2196009 (VCV002196009.5), dbSNP rs934874608, ClinGen allele CA35420310.

ClinVar aggregate classification (germline): Uncertain significance. Review status: criteria provided, multiple submitters, no conflicts (2 of 4 stars). 2 submissions from 2 submitters: Uncertain significance (2). Last evaluated 2025-07-09.

Conditions:
Hypertrophic cardiomyopathy 2. Also called: TNNT2-Related Familial Hypertrophic Cardiomyopathy. Identifiers: MedGen C1861864, MONDO:0007266, OMIM 115195.
Cardiomyopathy, familial restrictive, 3. Identifiers: Orphanet 75249, MedGen C2676271, MONDO:0012900, OMIM 612422.
Dilated cardiomyopathy 1D. Identifiers: Orphanet 154, Orphanet 54260, MedGen C1832243, MONDO:0011095, OMIM 601494.

Allele frequency attached by ClinVar (database versions not stated): gnomAD exomes below 0.00001; TOPMed below 0.00001.

Submissions (2):

GeneDx
Classification: Uncertain significance. Last evaluated: 2025-07-09. Review status: criteria provided, single submitter. Criteria: GeneDx Variant Classification Process June 2021. Collection method: clinical testing. Allele origin: germline. Affected: yes.
Comment: Not observed at significant frequency in large population cohorts (gnomAD); In silico analysis supports that this missense variant has a deleterious effect on protein structure/function; Has not been previously published as pathogenic or benign to our knowledge

Labcorp Genetics (formerly Invitae), Labcorp
Classification: Uncertain significance for Cardiomyopathy, familial restrictive, 3; Hypertrophic cardiomyopathy 2; Dilated cardiomyopathy 1D. Last evaluated: 2022-02-19. Review status: criteria provided, single submitter. Criteria: Invitae Variant Classification Sherloc (09022015). Collection method: clinical testing. Allele origin: germline.
Comment: This sequence change replaces alanine, which is neutral and non-polar, with glycine, which is neutral and non-polar, at codon 157 of the TNNT2 protein (p.Ala157Gly). In summary, the available evidence is currently insufficient to determine the role of this variant in disease. Therefore, it has been classified as a Variant of Uncertain Significance. Algorithms developed to predict the effect of missense changes on protein structure and function are either unavailable or do not agree on the potential impact of this missense change (SIFT: "Tolerated"; PolyPhen-2: "Probably Damaging"; Align-GVGD: "Class C0"). This variant has not been reported in the literature in individuals affected with TNNT2-related conditions. This variant is not present in population databases (gnomAD no frequency).